The following is an entry in ClinVar:

NM_012123.4(MTO1):c.1565del (p.Glu522fs)

Gene: MTO1 (mitochondrial tRNA translation optimization 1; plus strand). Cytogenetic location: 6q13.
Variant type: Deletion.
Coding change: c.1565del on transcript NM_012123.4 (MANE Select); coding-DNA position 1565, one base deleted (A; older notation c.1565delA).
Protein change: p.Glu522fs; shifts the reading frame from glutamic acid 522.
Molecular consequence: frameshift variant.
Genome position (GRCh38, 1-based): chr6:73,482,548, A deleted. VCF-style (leftmost placement, unchanged base first): chr6-73482547-GA-G. GRCh37 (hg19) VCF-style: chr6-74192270-GA-G.
Other names: c.1685del, p.Glu562fs (NM_001123226.2); c.1640del, p.Glu547fs (NM_133645.3); short protein forms E522fs, E547fs, E562fs.
Identifiers: ClinVar variation 4849526 (VCV004849526.1).

ClinVar aggregate classification (germline): Pathogenic (1 of 4 stars; one submission).

Conditions:
Fetal anomalies with a likely genetic cause.

Submission:

Genetics Laboratory, Great Ormond Street Hospital NHS Foundation Trust, North Thames Genomic Laboratory Hub
Classification: Pathogenic for Fetal anomalies with a likely genetic cause. Last evaluated: 2026-03-03. Review status: criteria provided, single submitter. Criteria: ACGS Best Practice Guidelines for Variant Classification in Rare Disease 2024 v1.2. Collection method: clinical testing. Allele origin: germline. Affected: yes.
Comment: PM2_moderate, PVS1_very-strong